The following is an entry in ClinVar:

NM_015909.4(NBAS):c.3066A>C (p.Gly1022=)

Gene: NBAS (NBAS subunit of NRZ tethering complex; minus strand). Cytogenetic location: 2p24.3.
Variant type: single nucleotide variant.
Coding change: c.3066A>C on transcript NM_015909.4 (MANE Select); coding-DNA position 3066, A replaced by C.
Protein change: p.Gly1022=; no amino-acid change (glycine 1022 retained).
Molecular consequence: synonymous variant. On other transcripts: non-coding transcript variant (1).
Genome position (GRCh38, 1-based): chr2:15,402,173, T>G on the plus strand (A>C on the coding strand, the complement: NBAS is on the minus strand). VCF-style: chr2-15402173-T-G. GRCh37 (hg19) VCF-style: chr2-15542297-T-G.
Identifiers: ClinVar variation 2650689 (VCV002650689.24), dbSNP rs375887262, ClinGen allele CA42621696.

ClinVar aggregate classification (germline): Likely benign (1 of 4 stars; one submission).

Allele frequency attached by ClinVar (database versions not stated): ESP Exome Variant Server 0.00008.

Submission:

CeGaT Center for Human Genetics Tuebingen
Classification: Likely benign. Last evaluated: 2022-07-01. Review status: criteria provided, single submitter. Criteria: CeGaT Center For Human Genetics Tuebingen Variant Classification Criteria Version 2. Collection method: clinical testing. Allele origin: germline. Affected: yes. Observed: 1 variant allele.
Comment: NBAS: PM2:Supporting, BP4, BP7